The following is an entry in ClinVar:

NM_000518.5(HBB):c.239A>G (p.Asp80Gly)

Genes: HBB (hemoglobin subunit beta; minus strand), LOC106099062 (HBB recombination region; plus strand), LOC107133510 (origin of replication at HBB; plus strand). Cytogenetic location: 11p15.4.
Variant type: single nucleotide variant.
Coding change: c.239A>G on transcript NM_000518.5 (MANE Select); coding-DNA position 239, A replaced by G.
Protein change: p.Asp80Gly; replaces aspartic acid 80 with glycine.
Molecular consequence: missense variant.
Genome position (GRCh38, 1-based): chr11:5,226,653, T>C on the plus strand (A>G on the coding strand, the complement: HBB is on the minus strand). VCF-style: chr11-5226653-T-C. GRCh37 (hg19) VCF-style: chr11-5247883-T-C.
Other names: D79G; short protein forms D80G.
Identifiers: ClinVar variation 15174 (VCV000015174.3), dbSNP rs34173382, ClinGen allele CA124859.

ClinVar aggregate classification (germline): Uncertain significance. Review status: criteria provided, single submitter (1 of 4 stars). 2 submissions from 2 submitters: Uncertain significance (1). 1 of the submissions does not count toward it. Last evaluated 2025-06-05.

Conditions:
HEMOGLOBIN G (HSI-TSOU).

Submissions (2):

Women's Health and Genetics/Laboratory Corporation of America, LabCorp
Classification: Uncertain significance. Last evaluated: 2025-06-05. Review status: criteria provided, single submitter. Criteria: LabCorp Variant Classification Summary - May 2015. Collection method: clinical testing. Allele origin: germline.
Comment: Variant summary: HBB c.239A>G (p.Asp80Gly) results in a non-conservative amino acid change in the encoded protein sequence. Algorithms developed to predict the effect of missense changes on protein structure and function all suggest that this variant is likely to be disruptive. The variant was absent in 251438 control chromosomes. The available data on variant occurrences in the general population are insufficient to allow any conclusion about variant significance. c.239A>G has been observed in the heterozygous state in individuals with abnormal hemoglobin electrophoresis, but no clinical symptoms of hemoglobinopathy (Yun_2017, Gray_1978, Blackwell_1972). These report(s) do not provide unequivocal conclusions about association of the variant with Beta Thalassemia. To our knowledge, no experimental evidence demonstrating an impact on protein function has been reported. This variant is also known as Hb G-Hsi-Tsou. The following publications have been ascertained in the context of this evaluation (PMID: 5009835, 709469, 28107170). ClinVar contains an entry for this variant (Variation ID: 15174). Based on the evidence outlined above, the variant was classified as uncertain significance.

OMIM
Classification: other for HEMOGLOBIN G (HSI-TSOU). Last evaluated: 2017-12-12. Review status: no assertion criteria provided. Collection method: literature only. Allele origin: germline. Not counted in ClinVar's aggregate classification.

Literature cited by the submitters: PubMed 5009835 (cited by Women's Health and Genetics/Laboratory Corporation of America, LabCorp); PubMed 709469 (cited by Women's Health and Genetics/Laboratory Corporation of America, LabCorp); PubMed 28107170 (cited by Women's Health and Genetics/Laboratory Corporation of America, LabCorp); PubMed 5032420 (cited by OMIM).